The following is an entry in ClinVar:

ClinVar aggregate classification (germline): Uncertain significance (1 of 4 stars; one submission).

Conditions:
Inborn genetic diseases. Identifiers: MedGen C0950123, MeSH D030342.

Allele frequency attached by ClinVar (database versions not stated): gnomAD exomes below 0.00001.
gnomAD v4.1: 1 of 1,611,398 alleles (0.000062%); highest among the groups gnomAD compares: Non-Finnish European, 0.000085%; no homozygotes.

Submission:

Ambry Genetics
Classification: Uncertain significance for Inborn genetic diseases. Last evaluated: 2022-10-27. Review status: criteria provided, single submitter. Criteria: Ambry Variant Classification Scheme 2023. Collection method: clinical testing. Allele origin: germline.
Comment: The p.I273L variant (also known as c.817A>C), located in coding exon 10 of the ERCC2 gene, results from an A to C substitution at nucleotide position 817. The isoleucine at codon 273 is replaced by leucine, an amino acid with highly similar properties. This amino acid position is conserved. In addition, the in silico prediction for this alteration is inconclusive. Since supporting evidence is limited at this time, the clinical significance of this alteration remains unclear.

NM_000400.4(ERCC2):c.817A>C (p.Ile273Leu)

Gene: ERCC2 (ERCC excision repair 2, TFIIH core complex helicase subunit; minus strand). Cytogenetic location: 19q13.32.
Variant type: single nucleotide variant.
Coding change: c.817A>C on transcript NM_000400.4 (MANE Select); coding-DNA position 817, A replaced by C.
Protein change: p.Ile273Leu; replaces isoleucine 273 with leucine.
Molecular consequence: missense variant.
Genome position (GRCh38, 1-based): chr19:45,364,118, T>G on the plus strand (A>C on the coding strand, the complement: ERCC2 is on the minus strand). VCF-style: chr19-45364118-T-G. GRCh37 (hg19) VCF-style: chr19-45867376-T-G.
Other names: c.745A>C, p.Ile249Leu (NM_001130867.2); short protein forms I249L, I273L.
Identifiers: ClinVar variation 1762302 (VCV001762302.2), dbSNP rs2514030336, ClinGen allele CA406373884.